The following is an entry in ClinVar:

NM_000455.5(STK11):c.*17-97A>C

Gene: STK11 (serine/threonine kinase 11; plus strand). Cytogenetic location: 19p13.3.
Variant type: single nucleotide variant.
Coding change: c.*17-97A>C on transcript NM_000455.5 (MANE Select); 97 bases into the intron before 17 bases downstream of the stop codon, A replaced by C.
Molecular consequence: intron variant.
Genome position (GRCh38, 1-based): chr19:1,227,496, A>C. VCF-style: chr19-1227496-A-C. GRCh37 (hg19) VCF-style: chr19-1227495-A-C.
Identifiers: ClinVar variation 676629 (VCV000676629.2), dbSNP rs62128833, ClinGen allele CA304035032.

ClinVar aggregate classification (germline): Benign. Review status: criteria provided, multiple submitters, no conflicts (2 of 4 stars). 2 submissions from 2 submitters: Benign (2). Last evaluated 2018-06-14.

Allele frequency attached by ClinVar (database versions not stated): gnomAD exomes 0.04165; gnomAD 0.05046; TOPMed 0.05740; 1000 Genomes Project 30x 0.10087; 1000 Genomes Project 0.10323.
gnomAD v4.1: 46,181 of 1,054,182 alleles (4.4%); highest among the groups gnomAD compares: South Asian, 13%; 1,181 homozygotes.

Submissions (2):

GeneDx
Classification: Benign. Last evaluated: 2018-06-14. Review status: criteria provided, single submitter. Criteria: GeneDx Variant Classification (06012015). Collection method: clinical testing. Allele origin: germline. Affected: yes.
Comment: This variant is considered likely benign or benign based on one or more of the following criteria: it is a conservative change, it occurs at a poorly conserved position in the protein, it is predicted to be benign by multiple in silico algorithms, and/or has population frequency not consistent with disease.

Breakthrough Genomics
Classification: Benign. Review status: criteria provided, single submitter. Criteria: ACMG Guidelines, 2015. Collection method: not provided. Allele origin: germline. Inheritance: Autosomal dominant inheritance. Affected: yes.